The following is an entry in ClinVar:

NM_000135.4(FANCA):c.3960C>T (p.Leu1320=)

Genes: FANCA (FA complementation group A; minus strand), ZNF276 (zinc finger protein 276; plus strand). Cytogenetic location: 16q24.3.
Variant type: single nucleotide variant.
Coding change: c.3960C>T on transcript NM_000135.4 (MANE Select); coding-DNA position 3960, C replaced by T.
Protein change: p.Leu1320=; no amino-acid change (leucine 1320 retained).
Molecular consequence: synonymous variant. On other transcripts: 3 prime UTR variant (2), non-coding transcript variant (4).
Genome position (GRCh38, 1-based): chr16:89,739,528, G>A on the plus strand (C>T on the coding strand, the complement: FANCA is on the minus strand). VCF-style: chr16-89739528-G-A. GRCh37 (hg19) VCF-style: chr16-89805936-G-A.
Other names: c.3960C>T, p.Leu1320= (NM_001286167.3); c.*1282G>A (NM_001113525.2, NM_152287.4); c.3960C>T (NM_000135.3).
Identifiers: ClinVar variation 1140915 (VCV001140915.12), dbSNP rs541385700, ClinGen allele CA8250849.

ClinVar aggregate classification (germline): Conflicting classifications of pathogenicity. Review status: criteria provided, conflicting classifications (1 of 4 stars). 4 submissions from 4 submitters: Uncertain significance (1); Likely benign (3). Last evaluated 2025-10-14.

Conditions:
Inborn genetic diseases. Identifiers: MedGen C0950123, MeSH D030342.
Fanconi anemia (FA). Also called: Fanconi's anemia. Identifiers: Orphanet 84, MedGen C0015625, MeSH D005199, MONDO:0019391.

Allele frequency attached by ClinVar (database versions not stated): gnomAD 0.00001 and 0.00004; TOPMed 0.00005; gnomAD exomes 0.00007; ExAC 0.00030; 1000 Genomes Project 0.00040; 1000 Genomes Project 30x 0.00047.
gnomAD v4.1: 42 of 1,551,280 alleles (0.0027%); highest among the groups gnomAD compares: South Asian, 0.045%; no homozygotes.

Submissions (4):

Labcorp Genetics (formerly Invitae), Labcorp
Classification: Likely benign for Fanconi anemia. Last evaluated: 2025-10-14. Review status: criteria provided, single submitter. Criteria: Invitae Variant Classification Sherloc (09022015). Collection method: clinical testing. Allele origin: germline.

Quest Diagnostics Nichols Institute San Juan Capistrano
Classification: Uncertain significance. Last evaluated: 2025-02-19. Review status: criteria provided, single submitter. Criteria: Quest Diagnostics criteria. Collection method: clinical testing. Allele origin: unknown.
Comment: The FANCA c.3960C>T (p.Leu1320=) synonymous variant has not been reported in individuals with FANCA-related conditions in the published literature. The frequency of this variant in the general population (Genome Aggregation Database) is uninformative in the assessment of its pathogenicity. Analysis of this variant using software algorithms for the prediction of the effect of nucleotide changes on splicing yielded predictions that this variant does not affect FANCA mRNA splicing. Based on the available information, we are unable to determine the clinical significance of this variant.

Ambry Genetics
Classification: Likely benign for Inborn genetic diseases. Last evaluated: 2025-01-06. Review status: criteria provided, single submitter. Criteria: Ambry Variant Classification Scheme 2023. Collection method: clinical testing. Allele origin: germline.

Blueprint Genetics
Classification: Likely benign. Last evaluated: 2024-10-08. Review status: criteria provided, single submitter. Criteria: ACMG Guidelines, 2015. Collection method: clinical testing. Allele origin: germline.